The following is an entry in ClinVar:

NC_000023.10:g.(32408299_32429868)_(33038318_33229398)dup

Gene: DMD (dystrophin; minus strand). Cytogenetic location: Xp21.1.
Variant type: Duplication.
Identifiers: ClinVar variation 4687364 (VCV004687364.1).

ClinVar aggregate classification (germline): Pathogenic (1 of 4 stars; one submission).

Conditions:
Neuromuscular disease caused by qualitative or quantitative defects of dystrophin. Also called: Qualitative or quantitative defects of dystrophin. Identifiers: Orphanet 207085, MedGen C5679787, MONDO:0016147.

Submission:

Women's Health and Genetics/Laboratory Corporation of America, LabCorp
Classification: Pathogenic for Neuromuscular disease caused by qualitative or quantitative defects of dystrophin. Last evaluated: 2025-10-10. Review status: criteria provided, single submitter. Criteria: LabCorp Variant Classification Summary - May 2015. Collection method: clinical testing. Allele origin: germline.
Comment: Variant summary: The variant involves the duplication of exons 2-30 in the DMD gene. A presumed nomenclature of c.(31+1_32-1)_(4233+1_4234-1)dup has been designated for the purposes of this classification. It is assumed to be a tandem duplication in direct orientation (PMIDs: 25640679, 30054569). This Copy Number Variant (CNV) is expected to alter the reading frame and predicted to result in a truncation or absence of the encoded protein due to nonsense mediated decay (NMD). Loss-of-function variants in this gene are known to be pathogenic. The variant was absent in 95258 control chromosomes in the gnomAD database (Structural Variants v4.1 dataset). c.(31+1_32-1)_(4233+1_4234-1)dup has been observed in individuals affected with Duchenne Muscular Dystrophy (e.g. Kalman_2011, Ling_2020). To our knowledge, no experimental evidence demonstrating an impact on protein function has been reported. The following publications have been ascertained in the context of this evaluation (PMID: 21354051, 31705731). ClinVar contains an entry for this variant (Variation ID: 455835). Based on the evidence outlined above, the variant was classified as pathogenic.

Literature cited by the submitters: PubMed 31705731; PubMed 21354051.